The following is an entry in ClinVar:

ClinVar aggregate classification (germline): Likely pathogenic. Review status: criteria provided, single submitter (1 of 4 stars). 2 submissions from 2 submitters: Likely pathogenic (1). 1 of the submissions does not count toward it.

Conditions:
Maturity-onset diabetes of the young (MODY). Also called: Maturity onset diabetes mellitus in young. Identifiers: Orphanet 552, MedGen C0342276, MONDO:0018911, HP:0004904.
Maturity-onset diabetes of the young type 3. Also called: MODY type 3; MODY, type III. Identifiers: Orphanet 552, MedGen C1838100, MeSH C563933, MONDO:0010894, OMIM 600496. Disease mechanism: loss of function.

Submissions (2):

Clinical Genomics, Uppaluri K&H Personalized Medicine Clinic
Classification: Likely pathogenic for Maturity-onset diabetes of the young. Review status: criteria provided, single submitter. Criteria: K & H Uppaluri Personalized Medicine Clinic Variant Classification & Assertion Criteria_Updated V.1. Collection method: research. Allele origin: unknown. Inheritance: Autosomal dominant inheritance.
Comment: Mutations in HNF1A gene can predispose to MODY3. It is associated with both micro and macrovascular complications of diabetes, especially cardiovascular complications. Associated with glucosuria. May respond well to sulfonylureas. However, more evidence is required to confer the association of this particular variant rs1463923467 with MODY3.

OMIM
Classification: Pathogenic for MATURITY-ONSET DIABETES OF THE YOUNG, TYPE 3. Last evaluated: 2003-02-01. Review status: no assertion criteria provided. Collection method: literature only. Allele origin: germline. Not counted in ClinVar's aggregate classification.

Literature cited by the submitters: PubMed 31517624 (cited by Clinical Genomics, Uppaluri K&H Personalized Medicine Clinic); PubMed 32395877 (cited by Clinical Genomics, Uppaluri K&H Personalized Medicine Clinic); PubMed 35328643 (cited by Clinical Genomics, Uppaluri K&H Personalized Medicine Clinic); PubMed 35673428 (cited by Clinical Genomics, Uppaluri K&H Personalized Medicine Clinic); PubMed 12574234 (cited by OMIM).

NM_000545.8(HNF1A):c.714-1G>A

Gene: HNF1A (HNF1 homeobox A; plus strand). Cytogenetic location: 12q24.31.
Variant type: single nucleotide variant.
Coding change: c.714-1G>A on transcript NM_000545.8 (MANE Select); the canonical splice acceptor site of the intron before coding-DNA position 714, G replaced by A.
Molecular consequence: splice acceptor variant.
Genome position (GRCh38, 1-based): chr12:120,994,163, G>A. VCF-style: chr12-120994163-G-A. GRCh37 (hg19) VCF-style: chr12-121431966-G-A.
Other names: IVS3, G-A, -1; c.714-1G>A (NM_001306179.2, NM_001406915.1).
Identifiers: ClinVar variation 14941 (VCV000014941.2), dbSNP rs1463923467, ClinGen allele CA386965708.